The following is an entry in ClinVar:

NM_001999.4(FBN2):c.2492G>A (p.Gly831Glu)

Gene: FBN2 (fibrillin 2; minus strand). Cytogenetic location: 5q23.3.
Variant type: single nucleotide variant.
Coding change: c.2492G>A on transcript NM_001999.4 (MANE Select); coding-DNA position 2492, G replaced by A.
Protein change: p.Gly831Glu; replaces glycine 831 with glutamic acid.
Molecular consequence: missense variant.
Genome position (GRCh38, 1-based): chr5:128,361,785, C>T on the plus strand (G>A on the coding strand, the complement: FBN2 is on the minus strand). VCF-style: chr5-128361785-C-T. GRCh37 (hg19) VCF-style: chr5-127697478-C-T.
Other names: short protein forms G831E.
Identifiers: ClinVar variation 1489094 (VCV001489094.8), dbSNP rs2126937089, ClinGen allele CA360768042.

ClinVar aggregate classification (germline): Uncertain significance (1 of 4 stars; one submission).

Conditions:
Congenital contractural arachnodactyly (CCA). Also called: BEALS SYNDROME; Beals-Hecht syndrome; Arthrogryposis, distal, type 9. Identifiers: Orphanet 115, MedGen C0220668, MONDO:0007363, OMIM 121050.

Submission:

Labcorp Genetics (formerly Invitae), Labcorp
Classification: Uncertain significance for Congenital contractural arachnodactyly. Last evaluated: 2022-08-23. Review status: criteria provided, single submitter. Criteria: Invitae Variant Classification Sherloc (09022015). Collection method: clinical testing. Allele origin: germline.
Comment: This variant has not been reported in the literature in individuals affected with FBN2-related conditions. This variant is not present in population databases (gnomAD no frequency). This sequence change replaces glycine, which is neutral and non-polar, with glutamic acid, which is acidic and polar, at codon 831 of the FBN2 protein (p.Gly831Glu). ClinVar contains an entry for this variant (Variation ID: 1489094). In summary, the available evidence is currently insufficient to determine the role of this variant in disease. Therefore, it has been classified as a Variant of Uncertain Significance. Advanced modeling of protein sequence and biophysical properties (such as structural, functional, and spatial information, amino acid conservation, physicochemical variation, residue mobility, and thermodynamic stability) performed at Invitae indicates that this missense variant is expected to disrupt FBN2 protein function.